The following is an entry in ClinVar:

ClinVar aggregate classification (germline): Uncertain significance. Review status: criteria provided, multiple submitters, no conflicts (2 of 4 stars). 2 submissions from 2 submitters: Uncertain significance (2). Last evaluated 2025-01-23.

Conditions:
Cardiovascular phenotype. Identifiers: MedGen CN230736.
Hereditary cancer-predisposing syndrome. Also called: Neoplastic Syndromes, Hereditary; Tumor predisposition; Hereditary neoplastic syndrome; Hereditary Cancer Syndrome. Identifiers: Orphanet 140162, MedGen C0027672, MeSH D009386, MONDO:0015356.
Neurofibromatosis, type 1 (NF1). Also called: Peripheral type neurofibromatosis; VON RECKLINGHAUSEN DISEASE; NEUROFIBROMATOSIS, TYPE I, SOMATIC; Neurofibromatosis, type I. Identifiers: Orphanet 636, MedGen C0027831, MONDO:0018975, OMIM 162200. Disease mechanism: loss of function.

gnomAD v4.1: 2 of 1,609,160 alleles (0.00012%); highest among the groups gnomAD compares: Non-Finnish European, 0.00017%; no homozygotes.

Submissions (2):

Labcorp Genetics (formerly Invitae), Labcorp
Classification: Uncertain significance for Neurofibromatosis, type 1. Last evaluated: 2025-01-23. Review status: criteria provided, single submitter. Criteria: Invitae Variant Classification Sherloc (09022015). Collection method: clinical testing. Allele origin: germline.
Comment: This sequence change replaces valine, which is neutral and non-polar, with isoleucine, which is neutral and non-polar, at codon 2029 of the NF1 protein (p.Val2029Ile). This variant is not present in population databases (gnomAD no frequency). This variant has not been reported in the literature in individuals affected with NF1-related conditions. ClinVar contains an entry for this variant (Variation ID: 1751476). An algorithm developed to predict the effect of missense changes on protein structure and function (PolyPhen-2) suggests that this variant is likely to be disruptive. Algorithms developed to predict the effect of sequence changes on RNA splicing suggest that this variant may disrupt the consensus splice site. In summary, the available evidence is currently insufficient to determine the role of this variant in disease. Therefore, it has been classified as a Variant of Uncertain Significance.

Ambry Genetics
Classification: Uncertain significance for Cardiovascular phenotype; Hereditary cancer-predisposing syndrome. Last evaluated: 2021-02-18. Review status: criteria provided, single submitter. Criteria: Ambry Variant Classification Scheme 2023. Collection method: clinical testing. Allele origin: germline.
Comment: The p.V2029I variant (also known as c.6085G>A) is located in coding exon 41 of the NF1 gene. The valine at codon 2029 is replaced by isoleucine, an amino acid with highly similar properties. This change occurs in the first base pair of coding exon 41. This amino acid position is highly conserved in available vertebrate species. In addition, this alteration is predicted to be tolerated by in silico analysis. Since supporting evidence is limited at this time, the clinical significance of this alteration remains unclear.

NM_001042492.3(NF1):c.6148G>A (p.Val2050Ile)

Gene: NF1 (neurofibromin 1; plus strand). Cytogenetic location: 17q11.2.
Variant type: single nucleotide variant.
Coding change: c.6148G>A on transcript NM_001042492.3 (MANE Select); coding-DNA position 6148, G replaced by A.
Protein change: p.Val2050Ile; replaces valine 2050 with isoleucine.
Molecular consequence: missense variant.
Genome position (GRCh38, 1-based): chr17:31,336,635, G>A. VCF-style: chr17-31336635-G-A. GRCh37 (hg19) VCF-style: chr17-29663653-G-A.
Other names: c.6085G>A, p.Val2029Ile (NM_000267.4); short protein forms V2029I, V2050I.
Identifiers: ClinVar variation 1751476 (VCV001751476.4), dbSNP rs1300330804, ClinGen allele CA399011668.